The following is an entry in ClinVar:

ClinVar aggregate classification (germline): Benign. Review status: criteria provided, multiple submitters, no conflicts (2 of 4 stars). 3 submissions from 3 submitters: Benign (3). Last evaluated 2024-01-24.

Allele frequency attached by ClinVar (database versions not stated): gnomAD exomes 0.16537; ExAC 0.17167; 1000 Genomes Project 0.20607; 1000 Genomes Project 30x 0.21034; gnomAD 0.23325 and 0.24059; TOPMed 0.24138; ESP Exome Variant Server 0.25923.
gnomAD v4.1: 292,701 of 1,594,644 alleles (18%); highest among the groups gnomAD compares: African/African-American, 42%; 30,104 homozygotes.

Submissions (3):

Unidad de Genómica Garrahan, Hospital de Pediatría Garrahan
Classification: Benign. Last evaluated: 2024-01-24. Review status: criteria provided, single submitter. Criteria: ACMG Guidelines, 2015. Collection method: clinical testing. Allele origin: germline. Affected: no. Observed: 24 variant alleles.
Comment: This variant is classified as Benign based on local population frequency. This variant was detected in 27% of patients studied by a panel of primary immunodeficiencies. Number of patients: 24. Only high quality variants are reported.

GeneDx
Classification: Benign. Last evaluated: 2018-06-23. Review status: criteria provided, single submitter. Criteria: GeneDx Variant Classification Process June 2021. Collection method: clinical testing. Allele origin: germline. Affected: yes.

Breakthrough Genomics
Classification: Benign. Review status: criteria provided, single submitter. Criteria: ACMG Guidelines, 2015. Collection method: not provided. Allele origin: germline. Inheritance: Autosomal recessive inheritance. Affected: yes.

NM_000215.4(JAK3):c.3208-39G>A

Gene: JAK3 (Janus kinase 3; minus strand). Cytogenetic location: 19p13.11.
Variant type: single nucleotide variant.
Coding change: c.3208-39G>A on transcript NM_000215.4 (MANE Select); 39 bases into the intron before coding-DNA position 3208, G replaced by A.
Molecular consequence: intron variant.
Genome position (GRCh38, 1-based): chr19:17,826,949, C>T on the plus strand (G>A on the coding strand, the complement: JAK3 is on the minus strand). VCF-style: chr19-17826949-C-T. GRCh37 (hg19) VCF-style: chr19-17937758-C-T.
Identifiers: ClinVar variation 1290849 (VCV001290849.5), dbSNP rs3212798, ClinGen allele CA9301383.